The following is an entry in ClinVar:

NM_001868.4(CPA1):c.185C>G (p.Pro62Arg)

Gene: CPA1 (carboxypeptidase A1; plus strand). Cytogenetic location: 7q32.2.
Variant type: single nucleotide variant.
Coding change: c.185C>G on transcript NM_001868.4 (MANE Select); coding-DNA position 185, C replaced by G.
Protein change: p.Pro62Arg; replaces proline 62 with arginine.
Molecular consequence: missense variant.
Genome position (GRCh38, 1-based): chr7:130,381,667, C>G. VCF-style: chr7-130381667-C-G. GRCh37 (hg19) VCF-style: chr7-130021508-C-G.
Other names: short protein forms P62R.
Identifiers: ClinVar variation 4825902 (VCV004825902.1).

ClinVar aggregate classification (germline): Uncertain significance (1 of 4 stars; one submission).

Conditions:
Hereditary pancreatitis (PCTT). Also called: Hereditary chronic pancreatitis; PRSS1-Related Hereditary Pancreatitis. Identifiers: Orphanet 676, MedGen C0238339, MONDO:0008185, OMIM 167800.

Submission:

Ambry Genetics
Classification: Uncertain significance for Hereditary pancreatitis. Last evaluated: 2026-02-24. Review status: criteria provided, single submitter. Criteria: Ambry Variant Classification Scheme 2023. Collection method: clinical testing. Allele origin: germline.
Comment: The p.P62R variant (also known as c.185C>G), located in coding exon 3 of the CPA1 gene, results from a C to G substitution at nucleotide position 185. The proline at codon 62 is replaced by arginine, an amino acid with dissimilar properties. This amino acid position is conserved. In addition, this alteration is predicted to be tolerated by in silico analysis. Based on the available evidence, the clinical significance of this variant remains unclear.